The following is an entry in ClinVar:

ClinVar aggregate classification (germline): Pathogenic. Review status: criteria provided, multiple submitters, no conflicts (2 of 4 stars). 3 submissions from 3 submitters: Pathogenic (3). Last evaluated 2025-08-06.

Conditions:
Inborn genetic diseases. Identifiers: MedGen C0950123, MeSH D030342.
Channelopathy-associated congenital insensitivity to pain, autosomal recessive. Also called: ASYMBOLIA FOR PAIN; Insensitivity to pain, channelopathy-associated; CONGENITAL ANALGESIA, AUTOSOMAL RECESSIVE. Identifiers: Orphanet 88642, Orphanet 970, MedGen C1855739, MONDO:0009459, OMIM 243000.
Neuropathy, hereditary sensory and autonomic, type 2A (HSAN2A). Also called: ACROOSTEOLYSIS, GIACCAI TYPE; ACROOSTEOLYSIS, NEUROGENIC; HSAN IIA; WNK1-Related HSAN2 (HSAN2A); NEUROPATHY, CONGENITAL SENSORY; NEUROPATHY, HEREDITARY SENSORY RADICULAR, AUTOSOMAL RECESSIVE. Identifiers: Orphanet 970, MedGen C2752089, MONDO:0024309, OMIM 201300.
Generalized epilepsy with febrile seizures plus, type 7 (GEFSP7). Also called: GEFS+, TYPE 7. Identifiers: Orphanet 36387, MedGen C2751778, MONDO:0013470, OMIM 613863.

Allele frequency attached by ClinVar (database versions not stated): gnomAD exomes below 0.00001 and 0.00001; ExAC 0.00001.
gnomAD v4.1: 20 of 1,612,402 alleles (0.0012%); highest among the groups gnomAD compares: Non-Finnish European, 0.0016%; no homozygotes.

Submissions (3):

Labcorp Genetics (formerly Invitae), Labcorp
Classification: Pathogenic for Neuropathy, hereditary sensory and autonomic, type 2A; Generalized epilepsy with febrile seizures plus, type 7. Last evaluated: 2025-08-06. Review status: criteria provided, single submitter. Criteria: Invitae Variant Classification Sherloc (09022015). Collection method: clinical testing. Allele origin: germline.
Comment: This sequence change creates a premature translational stop signal (p.Trp797*) in the SCN9A gene. It is expected to result in an absent or disrupted protein product. Loss-of-function variants in SCN9A are known to be pathogenic (PMID: 17470132, 19304393). This variant is present in population databases (rs769971743, gnomAD 0.0009%). This variant has not been reported in the literature in individuals affected with SCN9A-related conditions. ClinVar contains an entry for this variant (Variation ID: 573007). Algorithms developed to predict the effect of sequence changes on RNA splicing suggest that this variant may disrupt the consensus splice site. For these reasons, this variant has been classified as Pathogenic.

Victorian Clinical Genetics Services, Murdoch Childrens Research Institute
Classification: Pathogenic for Channelopathy-associated congenital insensitivity to pain, autosomal recessive. Last evaluated: 2025-04-27. Review status: criteria provided, single submitter. Criteria: ACMG Guidelines, 2015. Collection method: clinical testing. Allele origin: germline. Affected: yes.
Comment: This variant is classified as Pathogenic. Evidence in support of pathogenic classification: Variant is predicted to cause nonsense-mediated decay (NMD) and loss of protein (premature termination codon is located at least 54 nucleotides upstream of the final exon-exon junction); Variant is present in gnomAD (v2) <0.01 (1 heterozygote, 0 homozygotes); This variant has limited previous evidence of pathogenicity in unrelated individual(s). This variant has been classified as pathogenic by multiple clinical laboratories in ClinVar; Other premature termination variants comparable to the one identified in this case have very strong previous evidence for pathogenicity. Many NMD-predicted variants have been reported as likely pathogenic/pathogenic (ClinVar), and are associated with autosomal recessive congenital insensitivity to pain (PMID: 18060017). Additional information: This variant is heterozygous; This gene is associated with both recessive and dominant disease. Type IID hereditary sensory and autonomic neuropathy, and congenital insensitivity to pain (MIM#243000) are associated with autosomal recessive inheritance; primary erythermalgia and small fiber neuropathy (MIM#133020), and paroxysmal extreme pain disorder (MIM#167400) are inherited in an autosomal dominant pattern (OMIM); Loss of function and gain of function are known mechanisms of disease in this gene. Loss of function variants are associated with congenital insensitivity to pain (MIM#243000); gain of function variants are associated with primary erythermalgia (MIM#133020) and paroxysmal extreme pain disorder (MIM#167400) (PMID: 18060017); The condition associated with this gene has incomplete penetrance. Small fiber neuropathy is associated with reduced penetrance (PMID: 20301342); Heterozygous variant detected in trans with a second likely PATHOGENIC heterozygous variant (NM_001365536.1(SCN9A):c.5351del; p.(Glu1784Glyfs*14)) in a recessive disease.

Ambry Genetics
Classification: Pathogenic for Inborn genetic diseases. Last evaluated: 2023-12-18. Review status: criteria provided, single submitter. Criteria: Ambry Variant Classification Scheme 2023. Collection method: clinical testing. Allele origin: germline.
Comment: The c.2391G>A (p.W797*) alteration, located in exon 15 (coding exon 14) of the SCN9A gene, consists of a G to A substitution at nucleotide position 2391. This changes the amino acid from a tryptophan (W) to a stop codon at amino acid position 797. This alteration is expected to result in loss of function by premature protein truncation or nonsense-mediated mRNA decay. Based on the available evidence, the SCN9A c.2391G>A (p.W797*) alteration is classified as pathogenic for autosomal recessive congenital insensitivity to pain; however, its clinical significance for autosomal dominant SCN9A-related neuropathic pain syndromes is unclear. Based on data from gnomAD, the A allele has an overall frequency of <0.001% (1/247772) total alleles studied. The highest observed frequency was 0.001% (1/112376) of European (non-Finnish) alleles. Based on the available evidence, this alteration is classified as pathogenic.

Literature cited by the submitters: PubMed 17470132 (cited by Labcorp Genetics (formerly Invitae), Labcorp); PubMed 19304393 (cited by Labcorp Genetics (formerly Invitae), Labcorp); PubMed 20301342 (cited by Victorian Clinical Genetics Services, Murdoch Childrens Research Institute); PubMed 18060017 (cited by Victorian Clinical Genetics Services, Murdoch Childrens Research Institute).

NM_001365536.1(SCN9A):c.2424G>A (p.Trp808Ter)

Genes: SCN1A-AS1 (SCN1A and SCN9A antisense RNA 1; plus strand), SCN9A (sodium voltage-gated channel alpha subunit 9; minus strand). Cytogenetic location: 2q24.3.
Variant type: single nucleotide variant.
Coding change: c.2424G>A on transcript NM_001365536.1 (MANE Select); coding-DNA position 2424, G replaced by A.
Protein change: p.Trp808Ter; replaces tryptophan 808 with a stop codon.
Molecular consequence: nonsense.
Genome position (GRCh38, 1-based): chr2:166,278,233, C>T on the plus strand (G>A on the coding strand, the complement: SCN9A is on the minus strand). VCF-style: chr2-166278233-C-T. GRCh37 (hg19) VCF-style: chr2-167134743-C-T.
Other names: c.2391G>A, p.Trp797Ter (NM_002977.4); short protein forms W797*, W808*.
Identifiers: ClinVar variation 573007 (VCV000573007.14), dbSNP rs769971743, ClinGen allele CA1944277.